The following is an entry in ClinVar:

ClinVar aggregate classification (germline): Benign/Likely benign. Review status: criteria provided, multiple submitters, no conflicts (2 of 4 stars). 7 submissions from 6 submitters: Benign (4); Likely benign (2). 1 of the submissions does not count toward it. Last evaluated 2026-03-01.

Conditions:
SYNE1-related disorder. Also called: SYNE1-related disease; SYNE1-related condition; SYNE1-related disorders.
Autosomal recessive ataxia, Beauce type. Also called: SYNE1 Deficiency; ATAXIA, RECESSIVE, OF BEAUCE; SYNE1-Related Autosomal Recessive Cerebellar Ataxia; Spinocerebellar ataxia, autosomal recessive 8. Identifiers: Orphanet 88644, MedGen C1853116, MONDO:0012549, OMIM 610743.
Emery-Dreifuss muscular dystrophy 4, autosomal dominant (EDMD4). Also called: EMERY-DREIFUSS MUSCULAR DYSTROPHY 4 WITH VARIABLE FEATURES. Identifiers: Orphanet 261, MedGen C2751807, MONDO:0013071, OMIM 612998.

Allele frequency attached by ClinVar (database versions not stated): gnomAD exomes 0.00058 and 0.00093; gnomAD 0.00060 and 0.00039; TOPMed 0.00080; ExAC 0.00093; 1000 Genomes Project 0.00399; 1000 Genomes Project 30x 0.00406.
gnomAD v4.1: 933 of 1,614,040 alleles (0.058%); highest among the groups gnomAD compares: East Asian, 1.6%; 7 homozygotes.

Submissions (7):

CeGaT Center for Human Genetics Tuebingen
Classification: Likely benign. Last evaluated: 2026-03-01. Review status: criteria provided, single submitter. Criteria: CeGaT Center For Human Genetics Tuebingen Variant Classification Criteria Version 2. Collection method: clinical testing. Allele origin: germline. Affected: yes. Observed: 2 variant alleles.
Comment: SYNE1: BP4, BS1

Labcorp Genetics (formerly Invitae), Labcorp
Classification: Benign for Emery-Dreifuss muscular dystrophy 4, autosomal dominant; Autosomal recessive ataxia, Beauce type. Last evaluated: 2025-12-01. Review status: criteria provided, single submitter. Criteria: Invitae Variant Classification Sherloc (09022015). Collection method: clinical testing. Allele origin: germline.

Blueprint Genetics
Classification: Likely benign. Last evaluated: 2024-10-11. Review status: criteria provided, single submitter. Criteria: ACMG Guidelines, 2015. Collection method: clinical testing. Allele origin: germline.

Athena Diagnostics
Classification: Benign. Last evaluated: 2018-08-24. Review status: criteria provided, single submitter. Criteria: Athena Diagnostics Criteria. Collection method: clinical testing. Allele origin: germline.

Illumina Laboratory Services, Illumina
Classification: Benign for Autosomal recessive ataxia, Beauce type. Last evaluated: 2018-01-13. Review status: criteria provided, single submitter. Criteria: ICSL Variant Classification Criteria 13 December 2019. Collection method: clinical testing. Allele origin: germline.
Comment: This variant was observed in the ICSL laboratory as part of a predisposition screen in an ostensibly healthy population. It had not been previously curated by ICSL or reported in the Human Gene Mutation Database (HGMD: prior to June 1st, 2018), and was therefore a candidate for classification through an automated scoring system. Utilizing variant allele frequency, disease prevalence and penetrance estimates, and inheritance mode, an automated score was calculated to assess if this variant is too frequent to cause the disease. Based on the score and internal cut-off values, a variant classified as benign is not then subjected to further curation. The score for this variant resulted in a classification of benign for this disease.

Illumina Laboratory Services, Illumina
Classification: Benign for Emery-Dreifuss muscular dystrophy 4, autosomal dominant. Last evaluated: 2018-01-13. Review status: criteria provided, single submitter. Criteria: ICSL Variant Classification Criteria 13 December 2019. Collection method: clinical testing. Allele origin: germline.
Comment: the same text as in the submission from Illumina Laboratory Services, Illumina above.

PreventionGenetics, part of Exact Sciences
Classification: Benign for SYNE1-related condition. Last evaluated: 2019-08-08. Review status: no assertion criteria provided. Collection method: clinical testing. Allele origin: germline. Not counted in ClinVar's aggregate classification.
Comment: This variant is classified as benign based on ACMG/AMP sequence variant interpretation guidelines (Richards et al. 2015 PMID: 25741868, with internal and published modifications).

NM_182961.4(SYNE1):c.6889G>A (p.Gly2297Arg)

Gene: SYNE1 (spectrin repeat containing nuclear envelope protein 1; minus strand). Cytogenetic location: 6q25.2.
Variant type: single nucleotide variant.
Coding change: c.6889G>A on transcript NM_182961.4 (MANE Select); coding-DNA position 6889, G replaced by A.
Protein change: p.Gly2297Arg; replaces glycine 2297 with arginine.
Molecular consequence: missense variant.
Genome position (GRCh38, 1-based): chr6:152,401,278, C>T on the plus strand (G>A on the coding strand, the complement: SYNE1 is on the minus strand). VCF-style: chr6-152401278-C-T. GRCh37 (hg19) VCF-style: chr6-152722413-C-T.
Other names: c.6910G>A, p.Gly2304Arg (NM_033071.5); short protein forms G2304R, G2297R.
Identifiers: ClinVar variation 355917 (VCV000355917.41), dbSNP rs117184249, ClinGen allele CA4057967.